The following is an entry in ClinVar:

ClinVar aggregate classification (germline): Uncertain significance (1 of 4 stars; one submission).

Conditions:
Heterotaxy, visceral, 4, autosomal (HTX4). Identifiers: Orphanet 450, MedGen C3151057, MONDO:0013403, OMIM 613751.

Allele frequency attached by ClinVar (database versions not stated): gnomAD exomes below 0.00001; TOPMed below 0.00001; ExAC 0.00001; gnomAD 0.00001.
gnomAD v4.1: 2 of 1,611,640 alleles (0.00012%); highest among the groups gnomAD compares: Non-Finnish European, 0.00017%; no homozygotes.

Submission:

Labcorp Genetics (formerly Invitae), Labcorp
Classification: Uncertain significance for Heterotaxy, visceral, 4, autosomal. Last evaluated: 2019-12-04. Review status: criteria provided, single submitter. Criteria: Invitae Variant Classification Sherloc (09022015). Collection method: clinical testing. Allele origin: germline.
Comment: In summary, the available evidence is currently insufficient to determine the role of this variant in disease. Therefore, it has been classified as a Variant of Uncertain Significance. Nucleotide substitutions within the consensus splice site are a relatively common cause of aberrant splicing (PMID: 17576681, 9536098). Algorithms developed to predict the effect of sequence changes on RNA splicing suggest that this variant is not likely to affect RNA splicing, but this prediction has not been confirmed by published transcriptional studies. This variant has not been reported in the literature in individuals with ACVR2B-related conditions. This variant is present in population databases (rs748795436, ExAC 0.001%). This sequence change falls in intron 7 of the ACVR2B gene. It does not directly change the encoded amino acid sequence of the ACVR2B protein, but it affects a nucleotide within the consensus splice site of the intron.

Literature cited by the submitters: PubMed 17576681; PubMed 9536098.

NM_001106.4(ACVR2B):c.960-3C>T

Gene: ACVR2B (activin A receptor type 2B; plus strand). Cytogenetic location: 3p22.2.
Variant type: single nucleotide variant.
Coding change: c.960-3C>T on transcript NM_001106.4 (MANE Select); 3 bases into the intron before coding-DNA position 960, C replaced by T.
Molecular consequence: intron variant.
Genome position (GRCh38, 1-based): chr3:38,481,348, C>T. VCF-style: chr3-38481348-C-T. GRCh37 (hg19) VCF-style: chr3-38522839-C-T.
Identifiers: ClinVar variation 836787 (VCV000836787.6), dbSNP rs748795436, ClinGen allele CA2318960.